The following is an entry in ClinVar:

ClinVar aggregate classification (germline): Uncertain significance (1 of 4 stars; one submission).

Submission:

CeGaT Center for Human Genetics Tuebingen
Classification: Uncertain significance. Last evaluated: 2025-08-01. Review status: criteria provided, single submitter. Criteria: CeGaT Center For Human Genetics Tuebingen Variant Classification Criteria Version 2. Collection method: clinical testing. Allele origin: germline. Affected: yes. Observed: 1 variant allele.
Comment: CSDE1: PM2, PP2

NM_001007553.3(CSDE1):c.1631T>C (p.Phe544Ser)

Gene: CSDE1 (cold shock domain containing E1; minus strand). Cytogenetic location: 1p13.2.
Variant type: single nucleotide variant.
Coding change: c.1631T>C on transcript NM_001007553.3 (MANE Select); coding-DNA position 1631, T replaced by C.
Protein change: p.Phe544Ser; replaces phenylalanine 544 with serine.
Molecular consequence: missense variant.
Genome position (GRCh38, 1-based): chr1:114,726,220, A>G on the plus strand (T>C on the coding strand, the complement: CSDE1 is on the minus strand). VCF-style: chr1-114726220-A-G. GRCh37 (hg19) VCF-style: chr1-115268841-A-G.
Other names: c.1676T>C, p.Phe559Ser (NM_001130523.3); c.1769T>C, p.Phe590Ser (NM_001242891.2); c.1631T>C, p.Phe544Ser (NM_001242892.2); c.1538T>C, p.Phe513Ser (NM_001242893.2, NM_007158.6); short protein forms F513S, F544S, F559S, F590S.
Identifiers: ClinVar variation 4085907 (VCV004085907.8).